The following is an entry in ClinVar:

ClinVar aggregate classification (germline): Uncertain significance (1 of 4 stars; one submission).

Conditions:
Inborn genetic diseases. Identifiers: MedGen C0950123, MeSH D030342.

gnomAD v4.1: 1 of 1,600,540 alleles (0.000062%); highest among the groups gnomAD compares: Non-Finnish European, 0.000085%; no homozygotes.

Submission:

Ambry Genetics
Classification: Uncertain significance for Inborn genetic diseases. Last evaluated: 2025-09-28. Review status: criteria provided, single submitter. Criteria: Ambry Variant Classification Scheme 2023. Collection method: clinical testing. Allele origin: germline.
Comment: The p.D1038Y variant (also known as c.3112G>T), located in coding exon 31 of the RTEL1 gene, results from a G to T substitution at nucleotide position 3112. The aspartic acid at codon 1038 is replaced by tyrosine, an amino acid with highly dissimilar properties. This amino acid position is conserved. In addition, this alteration is predicted to be tolerated by in silico analysis. Based on the available evidence, the clinical significance of this variant remains unclear.

NM_001283009.2(RTEL1):c.3112G>T (p.Asp1038Tyr)

Genes: RTEL1 (regulator of telomere elongation helicase 1; plus strand), RTEL1-TNFRSF6B (RTEL1-TNFRSF6B readthrough (NMD candidate); plus strand). Cytogenetic location: 20q13.33.
Variant type: single nucleotide variant.
Coding change: c.3112G>T on transcript NM_001283009.2 (MANE Select); coding-DNA position 3112, G replaced by T.
Protein change: p.Asp1038Tyr; replaces aspartic acid 1038 with tyrosine.
Molecular consequence: missense variant. On other transcripts: non-coding transcript variant (1).
Genome position (GRCh38, 1-based): chr20:63,694,743, G>T. VCF-style: chr20-63694743-G-T. GRCh37 (hg19) VCF-style: chr20-62326096-G-T.
Other names: c.2443G>T, p.Asp815Tyr (NM_001283010.1); c.3112G>T, p.Asp1038Tyr (NM_016434.4); c.3184G>T, p.Asp1062Tyr (NM_032957.5); short protein forms D1062Y, D1038Y, D815Y.
Identifiers: ClinVar variation 4629521 (VCV004629521.1).